The following is an entry in ClinVar:

ClinVar aggregate classification (germline): Uncertain significance (1 of 4 stars; one submission).

Submission:

GeneDx
Classification: Uncertain significance. Last evaluated: 2023-12-21. Review status: criteria provided, single submitter. Criteria: GeneDx Variant Classification Process June 2021. Collection method: clinical testing. Allele origin: germline. Affected: yes.
Comment: Frameshift variant predicted to result in protein truncation or nonsense mediated decay in a gene for which loss of function is a known mechanism of disease; Has not been previously published as pathogenic or benign to our knowledge; No data available from control populations to assess the frequency of this variant

NM_001287491.2(TET3):c.207_208del (p.Cys69fs)

Gene: TET3 (tet methylcytosine dioxygenase 3; plus strand). Cytogenetic location: 2p13.1.
Variant type: Microsatellite.
Coding change: c.207_208del on transcript NM_001287491.2 (MANE Select); coding-DNA positions 207 to 208, 2 bases deleted (TG; older notation c.207_208delTG).
Protein change: p.Cys69fs; shifts the reading frame from cysteine 69.
Molecular consequence: frameshift variant.
Genome position (GRCh38, 1-based): chr2:73,986,610-73,986,611, TG deleted; deleting any 2 consecutive bases within chr2:73,986,608-73,986,611 gives the same sequence; the c. name uses the placement nearest the transcript's 3' end. VCF-style (leftmost placement, unchanged base first): chr2-73986607-CTG-C. GRCh37 (hg19) VCF-style: chr2-74213734-CTG-C.
Other names: short protein forms C69fs.
Identifiers: ClinVar variation 3365920 (VCV003365920.1).